The following is an entry in ClinVar:

ClinVar aggregate classification (germline): Uncertain significance (1 of 4 stars; one submission).

Allele frequency attached by ClinVar (database versions not stated): gnomAD exomes below 0.00001.
gnomAD v4.1: 1 of 1,613,510 alleles (0.000062%); highest among the groups gnomAD compares: Non-Finnish European, 0.000085%; no homozygotes.

Submission:

Labcorp Genetics (formerly Invitae), Labcorp
Classification: Uncertain significance. Last evaluated: 2021-09-09. Review status: criteria provided, single submitter. Criteria: Invitae Variant Classification Sherloc (09022015). Collection method: clinical testing. Allele origin: germline.
Comment: In summary, the available evidence is currently insufficient to determine the role of this variant in disease. Therefore, it has been classified as a Variant of Uncertain Significance. Algorithms developed to predict the effect of missense changes on protein structure and function (SIFT, PolyPhen-2, Align-GVGD) all suggest that this variant is likely to be tolerated. This variant has not been reported in the literature in individuals affected with PDE6C-related conditions. This variant is not present in population databases (ExAC no frequency). This sequence change replaces glutamic acid with aspartic acid at codon 811 of the PDE6C protein (p.Glu811Asp). The glutamic acid residue is highly conserved and there is a small physicochemical difference between glutamic acid and aspartic acid.

NM_006204.4(PDE6C):c.2433A>C (p.Glu811Asp)

Gene: PDE6C (phosphodiesterase 6C; plus strand). Cytogenetic location: 10q23.33.
Variant type: single nucleotide variant.
Coding change: c.2433A>C on transcript NM_006204.4 (MANE Select); coding-DNA position 2433, A replaced by C.
Protein change: p.Glu811Asp; replaces glutamic acid 811 with aspartic acid.
Molecular consequence: missense variant.
Genome position (GRCh38, 1-based): chr10:93,663,093, A>C. VCF-style: chr10-93663093-A-C. GRCh37 (hg19) VCF-style: chr10-95422850-A-C.
Other names: short protein forms E811D.
Identifiers: ClinVar variation 1518096 (VCV001518096.6), dbSNP rs1483906470, ClinGen allele CA377629325.